The following is an entry in ClinVar:

ClinVar aggregate classification (germline): Likely benign. Review status: criteria provided, multiple submitters, no conflicts (2 of 4 stars). 4 submissions from 4 submitters: Likely benign (3). 1 of the submissions does not count toward it. Last evaluated 2026-02-01.

Conditions:
CDH23-related disorder. Also called: CDH23-related disorders; CDH23-related condition.

Allele frequency attached by ClinVar (database versions not stated): gnomAD exomes 0.00013 and 0.00016; ExAC 0.00023; ESP Exome Variant Server 0.00081; TOPMed 0.00081; gnomAD 0.00083 and 0.00084; 1000 Genomes Project 0.00100; 1000 Genomes Project 30x 0.00125.
gnomAD v4.1: 320 of 1,613,864 alleles (0.02%); highest among the groups gnomAD compares: African/African-American, 0.27%; 1 homozygote.

Submissions (4):

Labcorp Genetics (formerly Invitae), Labcorp
Classification: Likely benign. Last evaluated: 2026-02-01. Review status: criteria provided, single submitter. Criteria: Invitae Variant Classification Sherloc (09022015). Collection method: clinical testing. Allele origin: germline.

Blueprint Genetics
Classification: Likely benign. Last evaluated: 2024-10-09. Review status: criteria provided, single submitter. Criteria: ACMG Guidelines, 2015. Collection method: clinical testing. Allele origin: germline.

Laboratory for Molecular Medicine, Mass General Brigham Personalized Medicine
Classification: Likely benign. Last evaluated: 2015-06-16. Review status: criteria provided, single submitter. Criteria: LMM Criteria. Collection method: clinical testing. Allele origin: germline. Observed: 2 variant alleles.
Comment: p.Arg2488His in exon 53 of CDH23: This variant is not expected to have clinical significance because it has been identified in 0.2% (18/9494) of African chromos omes by the Exome Aggregation Consortium (ExAC, SNP rs148149598).

PreventionGenetics, part of Exact Sciences
Classification: Likely benign for CDH23-related condition. Last evaluated: 2024-09-16. Review status: no assertion criteria provided. Collection method: clinical testing. Allele origin: germline. Not counted in ClinVar's aggregate classification.
Comment: This variant is classified as likely benign based on ACMG/AMP sequence variant interpretation guidelines (Richards et al. 2015 PMID: 25741868, with internal and published modifications).

NM_022124.6(CDH23):c.7463G>A (p.Arg2488His)

Gene: CDH23 (cadherin related 23; plus strand). Cytogenetic location: 10q22.1.
Variant type: single nucleotide variant.
Coding change: c.7463G>A on transcript NM_022124.6 (MANE Select); coding-DNA position 7463, G replaced by A.
Protein change: p.Arg2488His; replaces arginine 2488 with histidine.
Molecular consequence: missense variant.
Genome position (GRCh38, 1-based): chr10:71,800,736, G>A. VCF-style: chr10-71800736-G-A. GRCh37 (hg19) VCF-style: chr10-73560493-G-A.
Other names: c.743G>A, p.Arg248His (NM_001171933.1, NM_001171934.1); short protein forms R2488H, R248H.
Identifiers: ClinVar variation 162941 (VCV000162941.17), dbSNP rs148149598, ClinGen allele CA175515.